The following is an entry in ClinVar:

NM_015836.4(WARS2):c.635-1G>A

Gene: WARS2 (tryptophanyl tRNA synthetase 2, mitochondrial; minus strand). Cytogenetic location: 1p12.
Variant type: single nucleotide variant.
Coding change: c.635-1G>A on transcript NM_015836.4 (MANE Select); the canonical splice acceptor site of the intron before coding-DNA position 635, G replaced by A.
Molecular consequence: splice acceptor variant. On other transcripts: synonymous variant (1).
Genome position (GRCh38, 1-based): chr1:119,033,360, C>T on the plus strand (G>A on the coding strand, the complement: WARS2 is on the minus strand). VCF-style: chr1-119033360-C-T. GRCh37 (hg19) VCF-style: chr1-119575983-C-T.
Other names: c.663G>A, p.Ter221= (NM_201263.2); c.377-1G>A (NM_001378229.1); c.464-1G>A (NM_001378228.1); c.549-1G>A (NM_001378231.1); c.566-1G>A (NM_001378226.1, NM_001378227.1); c.353-1G>A (NM_001378230.1).
Identifiers: ClinVar variation 2704393 (VCV002704393.3), dbSNP rs1647606364, ClinGen allele CA341436955.

ClinVar aggregate classification (germline): Uncertain significance (1 of 4 stars; one submission).

Allele frequency attached by ClinVar (database versions not stated): gnomAD exomes below 0.00001; gnomAD 0.00001.
gnomAD v4.1: 5 of 1,613,914 alleles (0.00031%); highest among the groups gnomAD compares: South Asian, 0.0011%; no homozygotes.

Submission:

Labcorp Genetics (formerly Invitae), Labcorp
Classification: Uncertain significance. Last evaluated: 2024-01-01. Review status: criteria provided, single submitter. Criteria: Invitae Variant Classification Sherloc (09022015). Collection method: clinical testing. Allele origin: germline.
Comment: This sequence change falls in intron 5 of the WARS2 gene. It does not directly change the encoded amino acid sequence of the WARS2 protein. It affects a nucleotide within the consensus splice site. This variant is not present in population databases (gnomAD no frequency). This variant has not been reported in the literature in individuals affected with WARS2-related conditions. Variants that disrupt the consensus splice site are a relatively common cause of aberrant splicing (PMID: 17576681, 9536098). Algorithms developed to predict the effect of sequence changes on RNA splicing suggest that this variant may disrupt the consensus splice site. In summary, the available evidence is currently insufficient to determine the role of this variant in disease. Therefore, it has been classified as a Variant of Uncertain Significance.

Literature cited by the submitters: PubMed 17576681; PubMed 9536098.